The following is an entry in ClinVar:

NM_000166.6(GJB1):c.38T>G (p.Val13Gly)

Gene: GJB1 (gap junction protein beta 1; plus strand). Cytogenetic location: Xq13.1.
Variant type: single nucleotide variant.
Coding change: c.38T>G on transcript NM_000166.6 (MANE Select); coding-DNA position 38, T replaced by G.
Protein change: p.Val13Gly; replaces valine 13 with glycine.
Molecular consequence: missense variant.
Genome position (GRCh38, 1-based): chrX:71,223,745, T>G. VCF-style: chrX-71223745-T-G. GRCh37 (hg19) VCF-style: chrX-70443595-T-G.
Other names: c.38T>G, p.Val13Gly (NM_001097642.3); short protein forms V13G.
Identifiers: ClinVar variation 1019934 (VCV001019934.8), dbSNP rs1220424626, ClinGen allele CA413499483.

ClinVar aggregate classification (germline): Uncertain significance (1 of 4 stars; one submission).

Conditions:
Charcot-Marie-Tooth Neuropathy X. Identifiers: MedGen CN118851.

Submission:

Labcorp Genetics (formerly Invitae), Labcorp
Classification: Uncertain significance for Charcot-Marie-Tooth Neuropathy X. Last evaluated: 2020-08-22. Review status: criteria provided, single submitter. Criteria: Invitae Variant Classification Sherloc (09022015). Collection method: clinical testing. Allele origin: germline.
Comment: Algorithms developed to predict the effect of missense changes on protein structure and function are either unavailable or do not agree on the potential impact of this missense change (SIFT: "Deleterious"; PolyPhen-2: "Possibly Damaging"; Align-GVGD: "Class C0"). This sequence change replaces valine with glycine at codon 13 of the GJB1 protein (p.Val13Gly). The valine residue is highly conserved and there is a moderate physicochemical difference between valine and glycine. This variant is not present in population databases (ExAC no frequency). This variant has not been reported in the literature in individuals with GJB1-related conditions. This variant disrupts the p.Val13 amino acid residue in GJB1. Other variant(s) that disrupt this residue have been determined to be pathogenic (PMID: 27544631, 7477983, Invitae). This suggests that this residue is clinically significant, and that variants that disrupt this residue are likely to be disease-causing. In summary, the available evidence is currently insufficient to determine the role of this variant in disease. Therefore, it has been classified as a Variant of Uncertain Significance.

Literature cited by the submitters: PubMed 27544631; PubMed 7477983.